The following is an entry in ClinVar:

ClinVar aggregate classification (germline): Uncertain significance (1 of 4 stars; one submission).

Submission:

Labcorp Genetics (formerly Invitae), Labcorp
Classification: Uncertain significance. Last evaluated: 2022-02-02. Review status: criteria provided, single submitter. Criteria: Invitae Variant Classification Sherloc (09022015). Collection method: clinical testing. Allele origin: germline.
Comment: In summary, the available evidence is currently insufficient to determine the role of this variant in disease. Therefore, it has been classified as a Variant of Uncertain Significance. Algorithms developed to predict the effect of missense changes on protein structure and function are either unavailable or do not agree on the potential impact of this missense change (SIFT: "Not Available"; PolyPhen-2: "Benign"; Align-GVGD: "Not Available"). This variant has not been reported in the literature in individuals affected with UNC80-related conditions. This variant is not present in population databases (gnomAD no frequency). This sequence change replaces proline, which is neutral and non-polar, with serine, which is neutral and polar, at codon 553 of the UNC80 protein (p.Pro553Ser).

NM_001371986.1(UNC80):c.1657C>T (p.Pro553Ser)

Genes: UNC80 (unc-80 subunit of NALCN channel complex; plus strand), LOC122861286 (Sharpr-MPRA regulatory region 8450; plus strand). Cytogenetic location: 2q34.
Variant type: single nucleotide variant.
Coding change: c.1657C>T on transcript NM_001371986.1 (MANE Select); coding-DNA position 1657, C replaced by T.
Protein change: p.Pro553Ser; replaces proline 553 with serine.
Molecular consequence: missense variant.
Genome position (GRCh38, 1-based): chr2:209,817,916, C>T. VCF-style: chr2-209817916-C-T. GRCh37 (hg19) VCF-style: chr2-210682640-C-T.
Other names: c.1657C>T, p.Pro553Ser (NM_032504.2, NM_182587.4); short protein forms P553S.
Identifiers: ClinVar variation 1442625 (VCV001442625.8), dbSNP rs1174384310, ClinGen allele CA350135324.